The following is an entry in ClinVar:

NM_182961.4(SYNE1):c.20506C>T (p.Arg6836Cys)

Gene: SYNE1 (spectrin repeat containing nuclear envelope protein 1; minus strand). Cytogenetic location: 6q25.2.
Variant type: single nucleotide variant.
Coding change: c.20506C>T on transcript NM_182961.4 (MANE Select); coding-DNA position 20506, C replaced by T.
Protein change: p.Arg6836Cys; replaces arginine 6836 with cysteine.
Molecular consequence: missense variant.
Genome position (GRCh38, 1-based): chr6:152,234,691, G>A on the plus strand (C>T on the coding strand, the complement: SYNE1 is on the minus strand). VCF-style: chr6-152234691-G-A. GRCh37 (hg19) VCF-style: chr6-152555826-G-A.
Other names: c.20293C>T, p.Arg6765Cys (NM_033071.5); short protein forms R6836C, R6765C.
Identifiers: ClinVar variation 2040924 (VCV002040924.3), dbSNP rs771234683, ClinGen allele CA4054419.
Genomic context (GRCh38, chr6:152,234,691, plus strand): 5'-TAGGCCTGAATCAAATGCTTTAGATTCTTAGACTTACCAGGAAAGCATTTAGATGATCAC[G>A]GACCATTTCCAGCTCTTGTGGGACTGTCACAGATTGCTGAGTCCAAAATTCTAGCCGGTC-3'
Protein context (NP_892006.3, residues 6826-6846): VTVPQELEMV[Arg6836Cys]DHLNAFLEFS

ClinVar aggregate classification (germline): Uncertain significance. Review status: criteria provided, multiple submitters, no conflicts (2 of 4 stars). 2 submissions from 2 submitters: Uncertain significance (2). Last evaluated 2025-05-30.

Conditions:
Emery-Dreifuss muscular dystrophy 4, autosomal dominant (EDMD4). Also called: EMERY-DREIFUSS MUSCULAR DYSTROPHY 4 WITH VARIABLE FEATURES. Identifiers: Orphanet 261, MedGen C2751807, MONDO:0013071, OMIM 612998.
Autosomal recessive ataxia, Beauce type. Also called: SYNE1 Deficiency; Spinocerebellar ataxia, autosomal recessive 8; ATAXIA, RECESSIVE, OF BEAUCE; SYNE1-Related Autosomal Recessive Cerebellar Ataxia. Identifiers: Orphanet 88644, MedGen C1853116, MONDO:0012549, OMIM 610743.

Allele frequency attached by ClinVar (database versions not stated): TOPMed 0.00004; ExAC 0.00007.
gnomAD v4.1: 61 of 1,614,016 alleles (0.0038%); highest among the groups gnomAD compares: Non-Finnish European, 0.0045%; no homozygotes.

Submissions (2):

Revvity Omics, Revvity
Classification: Uncertain significance. Last evaluated: 2025-05-30. Review status: criteria provided, single submitter. Criteria: ACMG Guidelines, 2015. Collection method: clinical testing. Allele origin: germline.

Labcorp Genetics (formerly Invitae), Labcorp
Classification: Uncertain significance for Emery-Dreifuss muscular dystrophy 4, autosomal dominant; Autosomal recessive ataxia, Beauce type. Last evaluated: 2022-12-07. Review status: criteria provided, single submitter. Criteria: Invitae Variant Classification Sherloc (09022015). Collection method: clinical testing. Allele origin: germline.
Comment: In summary, the available evidence is currently insufficient to determine the role of this variant in disease. Therefore, it has been classified as a Variant of Uncertain Significance. Algorithms developed to predict the effect of missense changes on protein structure and function (SIFT, PolyPhen-2, Align-GVGD) all suggest that this variant is likely to be disruptive. This variant has not been reported in the literature in individuals affected with SYNE1-related conditions. This variant is present in population databases (rs771234683, gnomAD 0.01%). This sequence change replaces arginine, which is basic and polar, with cysteine, which is neutral and slightly polar, at codon 6765 of the SYNE1 protein (p.Arg6765Cys).